The following is an entry in ClinVar:

NM_133372.3(FNIP1):c.2668A>G (p.Thr890Ala)

Gene: FNIP1 (folliculin interacting protein 1; minus strand). Cytogenetic location: 5q31.1.
Variant type: single nucleotide variant.
Coding change: c.2668A>G on transcript NM_133372.3 (MANE Select); coding-DNA position 2668, A replaced by G.
Protein change: p.Thr890Ala; replaces threonine 890 with alanine.
Molecular consequence: missense variant.
Genome position (GRCh38, 1-based): chr5:131,671,776, T>C on the plus strand (A>G on the coding strand, the complement: FNIP1 is on the minus strand). VCF-style: chr5-131671776-T-C. GRCh37 (hg19) VCF-style: chr5-131007469-T-C.
Other names: c.2584A>G, p.Thr862Ala (NM_001008738.3); c.2533A>G, p.Thr845Ala (NM_001346114.2); short protein forms T862A, T845A, T890A.
Identifiers: ClinVar variation 2104130 (VCV002104130.4), dbSNP rs1415502755, ClinGen allele CA360788579.

ClinVar aggregate classification (germline): Uncertain significance (1 of 4 stars; one submission).

Allele frequency attached by ClinVar (database versions not stated): gnomAD 0.00001; TOPMed below 0.00001.
gnomAD v4.1: 2 of 1,613,994 alleles (0.00012%); highest among the groups gnomAD compares: African/African-American, 0.0027%; no homozygotes.

Submission:

Labcorp Genetics (formerly Invitae), Labcorp
Classification: Uncertain significance. Last evaluated: 2022-06-30. Review status: criteria provided, single submitter. Criteria: Invitae Variant Classification Sherloc (09022015). Collection method: clinical testing. Allele origin: germline.
Comment: In summary, the available evidence is currently insufficient to determine the role of this variant in disease. Therefore, it has been classified as a Variant of Uncertain Significance. Algorithms developed to predict the effect of missense changes on protein structure and function (SIFT, PolyPhen-2, Align-GVGD) all suggest that this variant is likely to be tolerated. This variant has not been reported in the literature in individuals affected with FNIP1-related conditions. This variant is not present in population databases (gnomAD no frequency). This sequence change replaces threonine, which is neutral and polar, with alanine, which is neutral and non-polar, at codon 890 of the FNIP1 protein (p.Thr890Ala).